The following is an entry in ClinVar:

NM_001368397.1(FRMPD4):c.1861G>C (p.Asp621His)

Gene: FRMPD4 (FERM and PDZ domain containing 4; plus strand). Cytogenetic location: Xp22.2.
Variant type: single nucleotide variant.
Coding change: c.1861G>C on transcript NM_001368397.1 (MANE Select); coding-DNA position 1861, G replaced by C.
Protein change: p.Asp621His; replaces aspartic acid 621 with histidine.
Molecular consequence: missense variant.
Genome position (GRCh38, 1-based): chrX:12,716,320, G>C. VCF-style: chrX-12716320-G-C. GRCh37 (hg19) VCF-style: chrX-12734439-G-C.
Other names: c.1972G>C, p.Asp658His (NM_001368395.3, NM_001368398.3); c.1867G>C, p.Asp623His (NM_001368396.3); c.1852G>C, p.Asp618His (NM_001368399.3); c.1741G>C, p.Asp581His (NM_001368400.3); c.1837G>C, p.Asp613His (NM_001368401.1, NM_001368402.3); c.1861G>C, p.Asp621His (NM_014728.3); short protein forms D581H, D613H, D618H, D621H, D623H, D658H.
Identifiers: ClinVar variation 3392835 (VCV003392835.1).

ClinVar aggregate classification (germline): Uncertain significance (1 of 4 stars; one submission).

Submission:

GeneDx
Classification: Uncertain significance. Last evaluated: 2024-06-26. Review status: criteria provided, single submitter. Criteria: GeneDx Variant Classification Process June 2021. Collection method: clinical testing. Allele origin: germline. Affected: yes.
Comment: Not observed at significant frequency in large population cohorts (gnomAD); In silico analysis indicates that this missense variant does not alter protein structure/function; Has not been previously published as pathogenic or benign to our knowledge